The following is an entry in ClinVar:

ClinVar aggregate classification (germline): Conflicting classifications of pathogenicity. Review status: criteria provided, conflicting classifications (1 of 4 stars). 10 submissions from 10 submitters: Uncertain significance (2); Likely benign (5). 3 of the submissions do not count toward it. Last evaluated 2026-01-24.

Conditions:
Osteogenesis imperfecta type 6. Also called: Osteogenesis imperfecta, type VI. Identifiers: Orphanet 666, MedGen C3279564, MONDO:0013515, OMIM 613982.
Osteogenesis imperfecta (OI). Identifiers: Orphanet 666, MedGen C0029434, MeSH D010013, MONDO:0019019.
SERPINF1-related disorder. Also called: SERPINF1-related condition.

Allele frequency attached by ClinVar (database versions not stated): 1000 Genomes Project 30x 0.00078; 1000 Genomes Project 0.00100; ExAC 0.00191; TOPMed 0.00191; gnomAD exomes 0.00207 and 0.00320; gnomAD 0.00240 and 0.00248; ESP Exome Variant Server 0.00269.
gnomAD v4.1: 4,992 of 1,614,158 alleles (0.31%); highest among the groups gnomAD compares: Non-Finnish European, 0.37%; 11 homozygotes.

Submissions (10):

Labcorp Genetics (formerly Invitae), Labcorp
Classification: Likely benign. Last evaluated: 2026-01-24. Review status: criteria provided, single submitter. Criteria: Invitae Variant Classification Sherloc (09022015). Collection method: clinical testing. Allele origin: germline.

Blueprint Genetics
Classification: Likely benign. Last evaluated: 2024-11-20. Review status: criteria provided, single submitter. Criteria: ACMG Guidelines, 2015. Collection method: clinical testing. Allele origin: germline.

ARUP Laboratories, Molecular Genetics and Genomics, ARUP Laboratories
Classification: Likely benign for Osteogenesis imperfecta type 6. Last evaluated: 2023-11-03. Review status: criteria provided, single submitter. Criteria: ARUP Molecular Germline Variant Investigation Process 2024. Collection method: clinical testing. Allele origin: germline.

Genome Diagnostics Laboratory, The Hospital for Sick Children
Classification: Likely benign for Osteogenesis imperfecta. Last evaluated: 2022-05-09. Review status: criteria provided, single submitter. Criteria: ACMG Guidelines, 2015. Collection method: clinical testing. Allele origin: germline.

GeneDx
Classification: Likely benign. Last evaluated: 2019-12-24. Review status: criteria provided, single submitter. Criteria: GeneDx Variant Classification Process June 2021. Collection method: clinical testing. Allele origin: germline. Affected: yes.
Comment: In silico analysis supports that this missense variant does not alter protein structure/function; This variant is associated with the following publications: (PMID: 30968248)

Illumina Laboratory Services, Illumina
Classification: Uncertain significance for Osteogenesis imperfecta type 6. Last evaluated: 2018-01-13. Review status: criteria provided, single submitter. Criteria: ICSL Variant Classification Criteria 13 December 2019. Collection method: clinical testing. Allele origin: germline.

Eurofins Ntd Llc (ga)
Classification: Uncertain significance. Last evaluated: 2017-07-17. Review status: criteria provided, single submitter. Criteria: EGL Classification Definitions 2015. Collection method: clinical testing. Allele origin: germline. Observed: 2 variant alleles, 2 heterozygotes.

PreventionGenetics, part of Exact Sciences
Classification: Likely benign for SERPINF1-related condition. Last evaluated: 2022-02-15. Review status: no assertion criteria provided. Collection method: clinical testing. Allele origin: germline. Not counted in ClinVar's aggregate classification.
Comment: This variant is classified as likely benign based on ACMG/AMP sequence variant interpretation guidelines (Richards et al. 2015 PMID: 25741868, with internal and published modifications).

Genome Diagnostics Laboratory, Amsterdam University Medical Center
Classification: Likely benign. Review status: no assertion criteria provided. Collection method: clinical testing. Allele origin: germline. Affected: yes. Study: VKGL Data-share Consensus. Not counted in ClinVar's aggregate classification.

Laboratory of Diagnostic Genome Analysis, Leiden University Medical Center (LUMC)
Classification: Likely benign. Review status: no assertion criteria provided. Collection method: clinical testing. Allele origin: germline. Affected: yes. Study: VKGL Data-share Consensus. Not counted in ClinVar's aggregate classification.

NM_002615.7(SERPINF1):c.202G>C (p.Val68Leu)

Genes: SERPINF1 (serpin family F member 1; plus strand), LOC130059891 (ATAC-STARR-seq lymphoblastoid active region 11456; plus strand). Cytogenetic location: 17p13.3.
Variant type: single nucleotide variant.
Coding change: c.202G>C on transcript NM_002615.7 (MANE Select); coding-DNA position 202, G replaced by C.
Protein change: p.Val68Leu; replaces valine 68 with leucine.
Molecular consequence: missense variant. On other transcripts: 5 prime UTR variant (1).
Genome position (GRCh38, 1-based): chr17:1,769,969, G>C. VCF-style: chr17-1769969-G-C. GRCh37 (hg19) VCF-style: chr17-1673263-G-C.
Other names: c.202G>C, p.Val68Leu (NM_001329903.2); c.-360G>C (NM_001329904.2); short protein forms V68L.
Identifiers: ClinVar variation 289666 (VCV000289666.30), dbSNP rs143827025, ClinGen allele CA8274569.